The following is an entry in ClinVar:

NM_018076.5(ODAD2):c.2128G>A (p.Val710Ile)

Gene: ODAD2 (outer dynein arm docking complex subunit 2; minus strand). Cytogenetic location: 10p12.1.
Variant type: single nucleotide variant.
Coding change: c.2128G>A on transcript NM_018076.5 (MANE Select); coding-DNA position 2128, G replaced by A.
Protein change: p.Val710Ile; replaces valine 710 with isoleucine.
Molecular consequence: missense variant.
Genome position (GRCh38, 1-based): chr10:27,936,850, C>T on the plus strand (G>A on the coding strand, the complement: ODAD2 is on the minus strand). VCF-style: chr10-27936850-C-T. GRCh37 (hg19) VCF-style: chr10-28225779-C-T.
Other names: c.2128G>A, p.Val710Ile (NM_001290020.2); c.703G>A, p.Val235Ile (NM_001290021.2); c.1204G>A, p.Val402Ile (NM_001312689.2); short protein forms V710I, V402I, V235I.
Identifiers: ClinVar variation 2075715 (VCV002075715.3), dbSNP rs370547662, ClinGen allele CA5453293.

ClinVar aggregate classification (germline): Uncertain significance (1 of 4 stars; one submission).

Conditions:
Primary ciliary dyskinesia 23 (CILD23). Also called: CILIARY DYSKINESIA, PRIMARY, 23, WITH OR WITHOUT SITUS INVERSUS. Identifiers: Orphanet 244, MedGen C3809548, MONDO:0014193, OMIM 615451.

Allele frequency attached by ClinVar (database versions not stated): gnomAD 0.00004; ExAC 0.00006; ESP Exome Variant Server 0.00008.
gnomAD v4.1: 59 of 1,612,442 alleles (0.0037%); highest among the groups gnomAD compares: Non-Finnish European, 0.0043%; no homozygotes.

Submission:

Labcorp Genetics (formerly Invitae), Labcorp
Classification: Uncertain significance for Primary ciliary dyskinesia 23. Last evaluated: 2023-05-08. Review status: criteria provided, single submitter. Criteria: Invitae Variant Classification Sherloc (09022015). Collection method: clinical testing. Allele origin: germline.
Comment: In summary, the available evidence is currently insufficient to determine the role of this variant in disease. Therefore, it has been classified as a Variant of Uncertain Significance. An algorithm developed to predict the effect of missense changes on protein structure and function (PolyPhen-2) suggests that this variant is likely to be disruptive. ClinVar contains an entry for this variant (Variation ID: 2075715). This variant has not been reported in the literature in individuals affected with ARMC4-related conditions. This variant is present in population databases (rs370547662, gnomAD 0.01%). This sequence change replaces valine, which is neutral and non-polar, with isoleucine, which is neutral and non-polar, at codon 710 of the ARMC4 protein (p.Val710Ile).